The following is an entry in ClinVar:

ClinVar aggregate classification (germline): Uncertain significance. Review status: criteria provided, multiple submitters, no conflicts (2 of 4 stars). 3 submissions from 3 submitters: Uncertain significance (3). Last evaluated 2026-05-18.

Conditions:
Ehlers-Danlos syndrome, classic type, 1 (EDSCL1). Also called: EHLERS-DANLOS SYNDROME, GRAVIS TYPE; EHLERS-DANLOS SYNDROME, SEVERE CLASSIC TYPE; Ehlers-Danlos syndrome, type 1; EDS I; Ehlers-Danlos Syndrome, Classic Type, COL5A1-Related. Identifiers: MedGen C0268335, MONDO:0019567, OMIM 130000.
Osteogenesis imperfecta type I (OI1). Also called: OI, TYPE I; OSTEOGENESIS IMPERFECTA TARDA; OSTEOGENESIS IMPERFECTA WITH BLUE SCLERAE; Osteogenesis imperfecta type 1; Lobstein's Disease; Lobstein disease. Identifiers: Orphanet 216796, Orphanet 666, MedGen C0023931, MONDO:0008146, OMIM 166200. Disease mechanism: loss of function.

Allele frequency attached by ClinVar (database versions not stated): gnomAD exomes below 0.00001; gnomAD 0.00001.
gnomAD v4.1: 3 of 1,614,070 alleles (0.00019%); highest among the groups gnomAD compares: Middle Eastern, 0.016%; no homozygotes.

Submissions (3):

Women's Health and Genetics/Laboratory Corporation of America, LabCorp
Classification: Uncertain significance. Last evaluated: 2026-05-18. Review status: criteria provided, single submitter. Criteria: LabCorp Variant Classification Summary - May 2015. Collection method: clinical testing. Allele origin: germline.
Comment: Variant summary: COL1A2 c.1601C>T (p.Pro534Leu) results in a non-conservative amino acid change in the encoded protein sequence. Algorithms developed to predict the effect of missense changes on protein structure and function all suggest that this variant is likely to be disruptive. The variant was absent in 251480 control chromosomes. The available data on variant occurrences in the general population are insufficient to allow any conclusion about variant significance. To our knowledge, no occurrence of c.1601C>T in individuals affected with COL1A2-related conditions and no experimental evidence demonstrating its impact on protein function have been reported. ClinVar contains an entry for this variant (Variation ID: 2055892). Based on the evidence outlined above, the variant was classified as uncertain significance.

ARUP Laboratories, Molecular Genetics and Genomics, ARUP Laboratories
Classification: Uncertain significance. Last evaluated: 2025-07-22. Review status: criteria provided, single submitter. Criteria: ARUP Molecular Germline Variant Investigation Process 2024. Collection method: clinical testing. Allele origin: germline.
Comment: The COL1A2 c.1601C>T; p.Pro534Leu variant (rs1791980750), to our knowledge, is not reported in the medical literature but is reported in ClinVar (Variation ID: 2055892). This variant is absent from the Genome Aggregation Database (v2.1.1), indicating it is not a common polymorphism. Computational analyses are uncertain whether this variant is neutral or deleterious (REVEL: 0.598). Due to limited information, the clinical significance of this variant is uncertain at this time.

Labcorp Genetics (formerly Invitae), Labcorp
Classification: Uncertain significance for Osteogenesis imperfecta type I; Ehlers-Danlos syndrome, classic type, 1. Last evaluated: 2022-10-07. Review status: criteria provided, single submitter. Criteria: Invitae Variant Classification Sherloc (09022015). Collection method: clinical testing. Allele origin: germline.
Comment: In summary, the available evidence is currently insufficient to determine the role of this variant in disease. Therefore, it has been classified as a Variant of Uncertain Significance. Advanced modeling of protein sequence and biophysical properties (such as structural, functional, and spatial information, amino acid conservation, physicochemical variation, residue mobility, and thermodynamic stability) performed at Invitae indicates that this missense variant is not expected to disrupt COL1A2 protein function. This variant has not been reported in the literature in individuals affected with COL1A2-related conditions. This variant is not present in population databases (gnomAD no frequency). This sequence change replaces proline, which is neutral and non-polar, with leucine, which is neutral and non-polar, at codon 534 of the COL1A2 protein (p.Pro534Leu).

NM_000089.4(COL1A2):c.1601C>T (p.Pro534Leu)

Gene: COL1A2 (collagen type I alpha 2 chain; plus strand). Cytogenetic location: 7q21.3.
Variant type: single nucleotide variant.
Coding change: c.1601C>T on transcript NM_000089.4 (MANE Select); coding-DNA position 1601, C replaced by T.
Protein change: p.Pro534Leu; replaces proline 534 with leucine.
Molecular consequence: missense variant.
Genome position (GRCh38, 1-based): chr7:94,413,733, C>T. VCF-style: chr7-94413733-C-T. GRCh37 (hg19) VCF-style: chr7-94043045-C-T.
Other names: short protein forms P534L.
Identifiers: ClinVar variation 2055892 (VCV002055892.6), dbSNP rs1791980750, ClinGen allele CA368222188.